The following is an entry in ClinVar:

NM_001330700.2(TOP2B):c.4856_4867dup (p.Phe1622_Ala1623insAspValAspPhe)

Gene: TOP2B (DNA topoisomerase II beta; minus strand). Cytogenetic location: 3p24.2.
Variant type: Duplication.
Coding change: c.4856_4867dup on transcript NM_001330700.2 (MANE Select); coding-DNA positions 4856 to 4867, 12 bases duplicated (ATGTTGATTTTG).
Protein change: p.Phe1622_Ala1623insAspValAspPhe.
Genome position (GRCh38, 1-based): chr3:25,598,321-25,598,332, CAAAATCAACAT duplicated on the plus strand (ATGTTGATTTTG on the coding strand, the reverse complement: TOP2B is on the minus strand); duplicating any 12 consecutive bases within chr3:25,598,321-25,598,334 gives the same sequence; the c. name uses the placement nearest the transcript's 3' end. VCF-style (leftmost placement, unchanged base first): chr3-25598320-G-GCAAAATCAACAT. GRCh37 (hg19) VCF-style: chr3-25639811-G-GCAAAATCAACAT.
Other names: c.4841_4852dup, p.Phe1617_Ala1618insAspValAspPhe (NM_001068.3).
Identifiers: ClinVar variation 3686893 (VCV003686893.2).
Genomic context (GRCh38, chr3:25,598,320, plus strand): 5'-GGACAACACAAGATATTTGTTGAAAAATGTTTGTGCTCTTTGGGCACTTAATTAAACATT[G>GCAAAATCAACAT]CAAAATCAACATCATCTTCTTCTTCATCAGACTCTGCAAAATATTTTACTTCTTTCCTAG-3'

ClinVar aggregate classification (germline): Uncertain significance (1 of 4 stars; one submission).

Submission:

Labcorp Genetics (formerly Invitae), Labcorp
Classification: Uncertain significance. Last evaluated: 2024-06-06. Review status: criteria provided, single submitter. Criteria: Invitae Variant Classification Sherloc (09022015). Collection method: clinical testing. Allele origin: germline.
Comment: This variant, c.4841_4852dup, results in the insertion of 4 amino acid(s) of the TOP2B protein (p.Asp1614_Phe1617dup), but otherwise preserves the integrity of the reading frame. This variant is not present in population databases (gnomAD no frequency). This variant has not been reported in the literature in individuals affected with TOP2B-related conditions. In summary, the available evidence is currently insufficient to determine the role of this variant in disease. Therefore, it has been classified as a Variant of Uncertain Significance.